The following is an entry in ClinVar:

NM_003745.2(SOCS1):c.615C>T (p.Ser205=)

Genes: SOCS1 (suppressor of cytokine signaling 1; minus strand), LOC130058478 (ATAC-STARR-seq lymphoblastoid silent region 7197; plus strand). Cytogenetic location: 16p13.13.
Variant type: single nucleotide variant.
Coding change: c.615C>T on transcript NM_003745.2 (MANE Select); coding-DNA position 615, C replaced by T.
Protein change: p.Ser205=; no amino-acid change (serine 205 retained).
Molecular consequence: synonymous variant.
Genome position (GRCh38, 1-based): chr16:11,254,864, G>A on the plus strand (C>T on the coding strand, the complement: SOCS1 is on the minus strand). VCF-style: chr16-11254864-G-A. GRCh37 (hg19) VCF-style: chr16-11348721-G-A.
Identifiers: ClinVar variation 4874287 (VCV004874287.2).
Genomic context (GRCh38, chr16:11,254,864, plus strand): 5'-CATCCCAGTTAATGCTGCGTGCACGGCGGGCGCTGCCGGTCAAATCTGGAAGGGGAAGGA[G>A]CTCAGGTAGTCGCGGAGGACGGGGTTGAGGGGGATGCGAGCCAGGTTCTCGCGGCCCACG-3'
Protein context (NP_003736.1, residues 195-211): PLNPVLRDYL[Ser205=]SFPFQI

ClinVar aggregate classification (germline): Likely benign (1 of 4 stars; one submission).

Submission:

CeGaT Center for Human Genetics Tuebingen
Classification: Likely benign. Last evaluated: 2026-06-01. Review status: criteria provided, single submitter. Criteria: CeGaT Center For Human Genetics Tuebingen Variant Classification Criteria Version 2. Collection method: clinical testing. Allele origin: germline. Affected: yes. Observed: 1 variant allele.
Comment: SOCS1: PM2:Supporting, BP4, BP7